The following is an entry in ClinVar:

ClinVar aggregate classification (germline): Conflicting classifications of pathogenicity. Review status: criteria provided, conflicting classifications (1 of 4 stars). 2 submissions from 2 submitters: Uncertain significance (1); Likely benign (1). Last evaluated 2025-09-16.

Conditions:
Pheochromocytoma. Also called: MAX-Related Hereditary Paraganglioma-Pheochromocytoma Syndrome. Identifiers: Orphanet 29072, MedGen C0031511, MONDO:0008233, OMIM 171300, HP:0002666.
Gastrointestinal stromal tumor. Also called: Gastrointestinal stroma tumor; Gastrointestinal stromal tumor, somatic. Identifiers: Orphanet 44890, MedGen C0238198, MeSH D046152, MONDO:0011719, OMIM 606764, HP:0100723.
Pheochromocytoma/paraganglioma syndrome 4. Also called: SDHB-Related Hereditary Paraganglioma-Pheochromocytoma Syndrome (Paragangliomas 4); SDHB-Related Hereditary Paraganglioma-Pheochromocytoma Syndrome; CAROTID BODY TUMORS AND MULTIPLE EXTRAADRENAL PHEOCHROMOCYTOMAS; PARAGANGLIOMA, FAMILIAL MALIGNANT; PARAGANGLIOMAS, HEREDITARY EXTRAADRENAL; PHEOCHROMOCYTOMA, FAMILIAL EXTRAADRENAL. Identifiers: Orphanet 29072, MedGen C1861848, MONDO:0007273, OMIM 115310.
Hereditary pheochromocytoma and paraganglioma. Also called: Hereditary Paraganglioma-Pheochromocytoma Syndromes; Hereditary pheochromocytoma-paraganglioma; Hereditary paragangliomas and pheochromocytomas. Identifiers: Orphanet 29072, MedGen C4274332, MONDO:0017366.

Allele frequency attached by ClinVar (database versions not stated): TOPMed below 0.00001; gnomAD 0.00001; gnomAD exomes 0.00001; ExAC 0.00002; 1000 Genomes Project 30x 0.00016; 1000 Genomes Project 0.00020.
gnomAD v4.1: 8 of 1,613,760 alleles (0.0005%); highest among the groups gnomAD compares: South Asian, 0.0088%; no homozygotes.

Submissions (3):

Labcorp Genetics (formerly Invitae), Labcorp
Classification: Likely benign for Gastrointestinal stromal tumor; Pheochromocytoma/paraganglioma syndrome 4; Pheochromocytoma. Last evaluated: 2025-09-16. Review status: criteria provided, single submitter. Criteria: Invitae Variant Classification Sherloc (09022015). Collection method: clinical testing. Allele origin: germline.

All of Us Research Program, National Institutes of Health
Classification: Uncertain significance for Hereditary pheochromocytoma and paraganglioma. Last evaluated: 2023-05-30. Review status: criteria provided, single submitter. Criteria: ACMG Guidelines, 2015. Collection method: clinical testing. Allele origin: germline. Inheritance: Autosomal dominant inheritance. Observed: 1 variant allele, 1 heterozygote.
Comment: This variant causes a C to G nucleotide substitution at the -7 position of intron 3 of the SDHB gene. To our knowledge, functional studies have not been reported for this variant. This variant has not been reported in individuals affected with SDHB-related disorders in the literature. This variant has been identified in 3/251058 chromosomes in the general population by the Genome Aggregation Database (gnomAD). The available evidence is insufficient to determine the role of this variant in disease conclusively. Therefore, this variant is classified as a Variant of Uncertain Significance.

This study involves interpretation of variants in research participants for the purpose of population health screening. Participant phenotype was not available at the time of variant classification. Additional details can be found in publication PMID: 35346344, PMCID: PMC8962531

Dr. Peter K. Rogan Lab, Western University
No classification provided (evidence only). Condition: Ovarian serous cystadenocarcinoma. Review status: no classification provided. Collection method: in vitro. Allele origin: not applicable. Functional consequence: retained intron. Not counted in ClinVar's aggregate classification.

NM_003000.3(SDHB):c.287-7C>G

Gene: SDHB (succinate dehydrogenase complex iron sulfur subunit B; minus strand). Cytogenetic location: 1p36.13.
Variant type: single nucleotide variant.
Coding change: c.287-7C>G on transcript NM_003000.3 (MANE Select); 7 bases into the intron before coding-DNA position 287, C replaced by G.
Molecular consequence: intron variant.
Genome position (GRCh38, 1-based): chr1:17,028,743, G>C on the plus strand (C>G on the coding strand, the complement: SDHB is on the minus strand). VCF-style: chr1-17028743-G-C. GRCh37 (hg19) VCF-style: chr1-17355238-G-C.
Identifiers: ClinVar variation 1125625 (VCV001125625.9), dbSNP rs542180633, ClinGen allele CA089578.
Genomic context (GRCh38, chr1:17,028,743, plus strand): 5'-TGCAAGCTAGAGTGTTGCCTCCATTGATGTTCATTGCACAAGAGCCACAGATGCCTGAAA[G>C]AGACACACATTTAACACATCCTCACCCATATCCGGAATCAGTCCTGCCCCAAATACTTTC-3'